The following is an entry in ClinVar:

ClinVar aggregate classification (germline): Uncertain significance. Review status: criteria provided, multiple submitters, no conflicts (2 of 4 stars). 3 submissions from 3 submitters: Uncertain significance (3). Last evaluated 2025-05-22.

Conditions:
Hereditary cancer-predisposing syndrome. Also called: Neoplastic Syndromes, Hereditary; Tumor predisposition; Hereditary neoplastic syndrome; Hereditary Cancer Syndrome. Identifiers: Orphanet 140162, MedGen C0027672, MeSH D009386, MONDO:0015356.
Familial cancer of breast. Also called: BREAST CANCER, FAMILIAL; hereditary breast carcinoma; Hereditary breast cancer. Identifiers: Orphanet 227535, MedGen C0346153, MONDO:0016419, OMIM 114480. Disease mechanism: loss of function.

Allele frequency attached by ClinVar (database versions not stated): gnomAD exomes below 0.00001.
gnomAD v4.1: 1 of 1,614,218 alleles (0.000062%); highest among the groups gnomAD compares: South Asian, 0.0011%; no homozygotes.

Submissions (3):

GeneDx
Classification: Uncertain significance. Last evaluated: 2025-05-22. Review status: criteria provided, single submitter. Criteria: GeneDx Variant Classification Process June 2021. Collection method: clinical testing. Allele origin: germline. Affected: yes.
Comment: Not observed at significant frequency in large population cohorts (gnomAD); In silico analysis suggests that this missense variant does not alter protein structure/function; Has not been previously published as pathogenic or benign to our knowledge

Labcorp Genetics (formerly Invitae), Labcorp
Classification: Uncertain significance for Familial cancer of breast. Last evaluated: 2024-03-28. Review status: criteria provided, single submitter. Criteria: Invitae Variant Classification Sherloc (09022015). Collection method: clinical testing. Allele origin: germline.
Comment: This sequence change replaces threonine, which is neutral and polar, with alanine, which is neutral and non-polar, at codon 694 of the PALB2 protein (p.Thr694Ala). This variant is not present in population databases (gnomAD no frequency). This variant has not been reported in the literature in individuals affected with PALB2-related conditions. ClinVar contains an entry for this variant (Variation ID: 579046). Advanced modeling of protein sequence and biophysical properties (such as structural, functional, and spatial information, amino acid conservation, physicochemical variation, residue mobility, and thermodynamic stability) performed at Invitae indicates that this missense variant is not expected to disrupt PALB2 protein function with a negative predictive value of 80%. In summary, the available evidence is currently insufficient to determine the role of this variant in disease. Therefore, it has been classified as a Variant of Uncertain Significance.

Ambry Genetics
Classification: Uncertain significance for Hereditary cancer-predisposing syndrome. Last evaluated: 2024-03-18. Review status: criteria provided, single submitter. Criteria: Ambry Variant Classification Scheme 2023. Collection method: clinical testing. Allele origin: germline.
Comment: The p.T694A variant (also known as c.2080A>G), located in coding exon 5 of the PALB2 gene, results from an A to G substitution at nucleotide position 2080. The threonine at codon 694 is replaced by alanine, an amino acid with similar properties. This amino acid position is poorly conserved in available vertebrate species. In addition, this alteration is predicted to be tolerated by in silico analysis. Since supporting evidence is limited at this time, the clinical significance of this alteration remains unclear.

NM_024675.4(PALB2):c.2080A>G (p.Thr694Ala)

Gene: PALB2 (partner and localizer of BRCA2; minus strand). Cytogenetic location: 16p12.2.
Variant type: single nucleotide variant.
Coding change: c.2080A>G on transcript NM_024675.4 (MANE Select); coding-DNA position 2080, A replaced by G.
Protein change: p.Thr694Ala; replaces threonine 694 with alanine.
Molecular consequence: missense variant.
Genome position (GRCh38, 1-based): chr16:23,630,074, T>C on the plus strand (A>G on the coding strand, the complement: PALB2 is on the minus strand). VCF-style: chr16-23630074-T-C. GRCh37 (hg19) VCF-style: chr16-23641395-T-C.
Other names: short protein forms T694A.
Identifiers: ClinVar variation 579046 (VCV000579046.16), dbSNP rs1567218150, ClinGen allele CA395125863.
Genomic context (GRCh38, chr16:23,630,074, plus strand): 5'-CAGGCGCAACCGTATTTAAAGGAGTATAAAGTAATATGGATGAAGAAAGGCCCGTCTTTG[T>C]ATGCTGGCTTTGCGAGTTTGGCCTTTTGGGATGTGATTTTCCTGGTAGAACAATAAGGTC-3'
Protein context (NP_078951.2, residues 684-704): PKRPNSQSQH[Thr694Ala]KTGLSSSILL